The following is an entry in ClinVar:

NM_025152.3(NUBPL):c.920C>T (p.Ala307Val)

Gene: NUBPL (NUBP iron-sulfur cluster assembly factor, mitochondrial; plus strand). Cytogenetic location: 14q12.
Variant type: single nucleotide variant.
Coding change: c.920C>T on transcript NM_025152.3 (MANE Select); coding-DNA position 920, C replaced by T.
Protein change: p.Ala307Val; replaces alanine 307 with valine.
Molecular consequence: missense variant. On other transcripts: non-coding transcript variant (1).
Genome position (GRCh38, 1-based): chr14:31,859,140, C>T. VCF-style: chr14-31859140-C-T. GRCh37 (hg19) VCF-style: chr14-32328346-C-T.
Other names: c.632C>T, p.Ala211Val (NM_001201573.2); c.371C>T, p.Ala124Val (NM_001201574.2); short protein forms A124V, A211V, A307V.
Identifiers: ClinVar variation 2085361 (VCV002085361.4), dbSNP rs2040672185, ClinGen allele CA389481396.

ClinVar aggregate classification (germline): Uncertain significance (1 of 4 stars; one submission).

Submission:

Labcorp Genetics (formerly Invitae), Labcorp
Classification: Uncertain significance. Last evaluated: 2025-07-14. Review status: criteria provided, single submitter. Criteria: Invitae Variant Classification Sherloc (09022015). Collection method: clinical testing. Allele origin: germline.
Comment: This sequence change replaces alanine, which is neutral and non-polar, with valine, which is neutral and non-polar, at codon 307 of the NUBPL protein (p.Ala307Val). This variant is not present in population databases (gnomAD no frequency). This variant has not been reported in the literature in individuals affected with NUBPL-related conditions. ClinVar contains an entry for this variant (Variation ID: 2085361). Invitae Evidence Modeling of protein sequence and biophysical properties (such as structural, functional, and spatial information, amino acid conservation, physicochemical variation, residue mobility, and thermodynamic stability) indicates that this missense variant is not expected to disrupt NUBPL protein function with a negative predictive value of 80%. In summary, the available evidence is currently insufficient to determine the role of this variant in disease. Therefore, it has been classified as a Variant of Uncertain Significance.